The following is an entry in ClinVar:

ClinVar aggregate classification (germline): Benign/Likely benign. Review status: criteria provided, multiple submitters, no conflicts (2 of 4 stars). 3 submissions from 2 submitters: Benign (2); Likely benign (1). Last evaluated 2021-05-24.

Conditions:
Long QT syndrome 5 (LQT5). Identifiers: Orphanet 101016, Orphanet 768, MedGen C1867904, MONDO:0013372, OMIM 613695.
Jervell and Lange-Nielsen syndrome 2 (JLNS2). Identifiers: Orphanet 768, Orphanet 90647, MedGen C2676723, MONDO:0012871, OMIM 612347.

Allele frequency attached by ClinVar (database versions not stated): 1000 Genomes Project 0.00859; TOPMed 0.01048.

Submissions (3):

GeneDx
Classification: Likely benign. Last evaluated: 2021-05-24. Review status: criteria provided, single submitter. Criteria: GeneDx Variant Classification Process June 2021. Collection method: clinical testing. Allele origin: germline. Affected: yes.

Illumina Laboratory Services, Illumina
Classification: Benign for Jervell and Lange-Nielsen syndrome 2. Last evaluated: 2018-01-13. Review status: criteria provided, single submitter. Criteria: ICSL Variant Classification Criteria 13 December 2019. Collection method: clinical testing. Allele origin: germline.
Comment: This variant was observed in the ICSL laboratory as part of a predisposition screen in an ostensibly healthy population. It had not been previously curated by ICSL or reported in the Human Gene Mutation Database (HGMD: prior to June 1st, 2018), and was therefore a candidate for classification through an automated scoring system. Utilizing variant allele frequency, disease prevalence and penetrance estimates, and inheritance mode, an automated score was calculated to assess if this variant is too frequent to cause the disease. Based on the score and internal cut-off values, a variant classified as benign is not then subjected to further curation. The score for this variant resulted in a classification of benign for this disease.

Illumina Laboratory Services, Illumina
Classification: Benign for Long QT syndrome 5. Last evaluated: 2018-01-13. Review status: criteria provided, single submitter. Criteria: ICSL Variant Classification Criteria 13 December 2019. Collection method: clinical testing. Allele origin: germline.
Comment: the same text as in the submission from Illumina Laboratory Services, Illumina above.

NM_000219.6(KCNE1):c.*2123G>A

Gene: KCNE1 (potassium voltage-gated channel subfamily E regulatory subunit 1; minus strand). Cytogenetic location: 21q22.12.
Variant type: single nucleotide variant.
Coding change: c.*2123G>A on transcript NM_000219.6 (MANE Select); 2123 bases downstream of the stop codon, G replaced by A.
Molecular consequence: 3 prime UTR variant.
Genome position (GRCh38, 1-based): chr21:34,447,122, C>T on the plus strand (G>A on the coding strand, the complement: KCNE1 is on the minus strand). VCF-style: chr21-34447122-C-T. GRCh37 (hg19) VCF-style: chr21-35819420-C-T.
Other names: c.*2123G>A (NM_001127668.4, NM_001127669.4, NM_001127670.4 and 4 more transcripts).
Identifiers: ClinVar variation 898314 (VCV000898314.5), dbSNP rs41314793, ClinGen allele CA320423830.
Genomic context (GRCh38, chr21:34,447,122, plus strand): 5'-TGGGGAAAAAGAAGTGGTGATAAATAGCCAGTCCGTGTGCCTGGAATATCAAAGTCAGTG[C>T]GTGCCAGGGATCACACTGCGGGTCACGTGCACTCTGGGTCTCTCTCTGCAAACCTGCCCT-3'